The following is an entry in ClinVar:

NM_000243.3(MEFV):c.401C>A (p.Pro134Gln)

Gene: MEFV (MEFV innate immuity regulator, pyrin; minus strand). Cytogenetic location: 16p13.3.
Variant type: single nucleotide variant.
Coding change: c.401C>A on transcript NM_000243.3 (MANE Select); coding-DNA position 401, C replaced by A.
Protein change: p.Pro134Gln; replaces proline 134 with glutamine.
Molecular consequence: missense variant. On other transcripts: intron variant (1).
Genome position (GRCh38, 1-based): chr16:3,254,667, G>T on the plus strand (C>A on the coding strand, the complement: MEFV is on the minus strand). VCF-style: chr16-3254667-G-T. GRCh37 (hg19) VCF-style: chr16-3304667-G-T.
Other names: c.277+1644C>A (NM_001198536.2); short protein forms P134Q.
Identifiers: ClinVar variation 391789 (VCV000391789.2), dbSNP rs377250147, ClinGen allele CA16607413.

ClinVar aggregate classification (germline): Uncertain significance (1 of 4 stars; one submission).

Submission:

GeneDx
Classification: Uncertain significance. Last evaluated: 2016-12-13. Review status: criteria provided, single submitter. Criteria: GeneDx Variant Classification (06012015). Collection method: clinical testing. Allele origin: germline. Affected: yes.
Comment: A variant of uncertain significance has been identified in the MEFV gene. The P134Q variant has not been published as a pathogenic variant, nor has it been reported as a benign variant to our knowledge. It was not observed in approximately 6,400 individuals of European and African American ancestry in the NHLBI Exome Sequencing Project, indicating it is not a common benign variant in these populations. P134Q is a non-conservative amino acid substitution, which is likely to impact secondary protein structure as these residues differ in polarity, charge, size and/or other properties. Additionally, a missense variant in a nearby residue (G136E) has been reported in the Human Gene Mutation Database in association with FMF (Stenson et al., 2014), supporting the functional importance of this region of the protein. However, this substitution occurs at a position that is not conserved and in silico analysis predicts this variant likely does not alter the protein structure/function. Therefore, based on the currently available information, it is unclear whether this variant is a pathogenic variant or a rare benign variant.